The following is an entry in ClinVar:

ClinVar aggregate classification (germline): Uncertain significance (1 of 4 stars; one submission).

Submission:

Ambry Genetics
Classification: Uncertain significance. Last evaluated: 2025-09-17. Review status: criteria provided, single submitter. Criteria: Ambry Variant Classification Scheme 2023. Collection method: clinical testing. Allele origin: germline.
Comment: The p.I344T variant (also known as c.1031T>C), located in coding exon 8 of the RINT1 gene, results from a T to C substitution at nucleotide position 1031. The isoleucine at codon 344 is replaced by threonine, an amino acid with similar properties. This amino acid position is conserved. In addition, the in silico prediction for this alteration is inconclusive. Based on the available evidence, the clinical significance of this variant remains unclear.

NM_021930.6(RINT1):c.1031T>C (p.Ile344Thr)

Gene: RINT1 (RAD50 interactor 1; plus strand). Cytogenetic location: 7q22.3.
Variant type: single nucleotide variant.
Coding change: c.1031T>C on transcript NM_021930.6 (MANE Select); coding-DNA position 1031, T replaced by C.
Protein change: p.Ile344Thr; replaces isoleucine 344 with threonine.
Molecular consequence: missense variant. On other transcripts: non-coding transcript variant (1).
Genome position (GRCh38, 1-based): chr7:105,550,089, T>C. VCF-style: chr7-105550089-T-C. GRCh37 (hg19) VCF-style: chr7-105190536-T-C.
Other names: c.797T>C, p.Ile266Thr (NM_001346599.2); c.8T>C, p.Ile3Thr (NM_001346600.2, NM_001346603.2); c.107T>C, p.Ile36Thr (NM_001346601.2); short protein forms I266T, I344T, I3T, I36T.
Identifiers: ClinVar variation 4578197 (VCV004578197.1).
Genomic context (GRCh38, chr7:105,550,089, plus strand): 5'-TTCAAACTATTTTCCTCCTTCCTTAGCCAGAATGGTACTTGGCTCAAGTACTTATGTGGA[T>C]TGGAAACCATACTGAATTTCTGGATGAGAAGATTCAGCCAATATTAGACAAAGTAGGCTC-3'
Protein context (NP_068749.3, residues 334-354): EWYLAQVLMW[Ile344Thr]GNHTEFLDEK